The following is an entry in ClinVar:

NM_001378964.1(CDON):c.896T>C (p.Val299Ala)

Gene: CDON (cell adhesion associated, oncogene regulated; minus strand). Cytogenetic location: 11q24.2.
Variant type: single nucleotide variant.
Coding change: c.896T>C on transcript NM_001378964.1 (MANE Select); coding-DNA position 896, T replaced by C.
Protein change: p.Val299Ala; replaces valine 299 with alanine.
Molecular consequence: missense variant.
Genome position (GRCh38, 1-based): chr11:126,017,120, A>G on the plus strand (T>C on the coding strand, the complement: CDON is on the minus strand). VCF-style: chr11-126017120-A-G. GRCh37 (hg19) VCF-style: chr11-125887015-A-G.
Other names: c.896T>C, p.Val299Ala (NM_001243597.3, NM_016952.6); short protein forms V299A.
Identifiers: ClinVar variation 2852822 (VCV002852822.3), dbSNP rs980315790, ClinGen allele CA230553291.
Genomic context (GRCh38, chr11:126,017,120, plus strand): 5'-TGAAAAAAATTAAAAACTAACATCTTACCAAGTACATTAACCATGTAAGTCACATATTTT[A>G]CATCTCCAGACTTGTTTCCCGCCATGCAGGAATAGTTTCCGGAGTCCGCCGGGTCAACGC-3'
Protein context (NP_001365893.1, residues 289-309): SCMAGNKSGD[Val299Ala]KYVTYMVNVL

ClinVar aggregate classification (germline): Uncertain significance (1 of 4 stars; one submission).

Conditions:
Holoprosencephaly 11 (HPE11). Identifiers: Orphanet 2162, MedGen C3280215, MONDO:0013642, OMIM 614226.

Allele frequency attached by ClinVar (database versions not stated): gnomAD exomes below 0.00001; TOPMed 0.00001; gnomAD 0.00002.
gnomAD v4.1: 4 of 1,614,032 alleles (0.00025%); highest among the groups gnomAD compares: Non-Finnish European, 0.00034%; no homozygotes.

Submission:

Labcorp Genetics (formerly Invitae), Labcorp
Classification: Uncertain significance for Holoprosencephaly 11. Last evaluated: 2023-10-17. Review status: criteria provided, single submitter. Criteria: Invitae Variant Classification Sherloc (09022015). Collection method: clinical testing. Allele origin: germline.
Comment: This sequence change replaces valine, which is neutral and non-polar, with alanine, which is neutral and non-polar, at codon 299 of the CDON protein (p.Val299Ala). This variant is present in population databases (no rsID available, gnomAD 0.002%). This variant has not been reported in the literature in individuals affected with CDON-related conditions. Advanced modeling of protein sequence and biophysical properties (such as structural, functional, and spatial information, amino acid conservation, physicochemical variation, residue mobility, and thermodynamic stability) performed at Invitae indicates that this missense variant is not expected to disrupt CDON protein function. In summary, the available evidence is currently insufficient to determine the role of this variant in disease. Therefore, it has been classified as a Variant of Uncertain Significance.